The following is an entry in ClinVar:

ClinVar aggregate classification (germline): Uncertain significance (1 of 4 stars; one submission).

Allele frequency attached by ClinVar (database versions not stated): gnomAD exomes below 0.00001.
gnomAD v4.1: 3 of 1,211,350 alleles (0.00025%); highest among the groups gnomAD compares: Non-Finnish European, 0.00022%; no homozygotes.

Submission:

GeneDx
Classification: Uncertain significance. Last evaluated: 2022-02-18. Review status: criteria provided, single submitter. Criteria: GeneDx Variant Classification Process June 2021. Collection method: clinical testing. Allele origin: germline. Affected: yes.
Comment: Not observed at significant frequency in large population cohorts (gnomAD); In silico analysis supports that this missense variant has a deleterious effect on protein structure/function; Has not been previously published as pathogenic or benign to our knowledge

NM_014927.5(CNKSR2):c.2554G>A (p.Gly852Arg)

Gene: CNKSR2 (connector enhancer of kinase suppressor of Ras 2; plus strand). Cytogenetic location: Xp22.12.
Variant type: single nucleotide variant.
Coding change: c.2554G>A on transcript NM_014927.5 (MANE Select); coding-DNA position 2554, G replaced by A.
Protein change: p.Gly852Arg; replaces glycine 852 with arginine.
Molecular consequence: missense variant.
Genome position (GRCh38, 1-based): chrX:21,609,479, G>A. VCF-style: chrX-21609479-G-A. GRCh37 (hg19) VCF-style: chrX-21627597-G-A.
Other names: c.2464G>A, p.Gly822Arg (NM_001168647.3, NM_001330773.2); c.2554G>A, p.Gly852Arg (NM_001168648.3); c.2407G>A, p.Gly803Arg (NM_001168649.3, NM_001330770.2); c.2317G>A, p.Gly773Arg (NM_001330771.2, NM_001330772.2); short protein forms G852R, G773R, G822R, G803R.
Identifiers: ClinVar variation 420979 (VCV000420979.4), dbSNP rs1064794829, ClinGen allele CA16621301.
Genomic context (GRCh38, chrX:21,609,479, plus strand): 5'-ATGCAAGTGCTAAATGGAAATGGGGGCAAGCCTCGAAGTTTTACTCTGCCTCGAGATAGC[G>A]GGTTCAACCATTGCTGTCTGAATGCTCCAGTTAGTGCCTGTGACCCACAGGATGACGTGC-3'
Protein context (NP_055742.2, residues 842-862): PRSFTLPRDS[Gly852Arg]FNHCCLNAPV